The following is an entry in ClinVar:

NM_001009999.3(KDM1A):c.1652A>G (p.Gln551Arg)

Gene: KDM1A (lysine demethylase 1A; plus strand). Cytogenetic location: 1p36.12.
Variant type: single nucleotide variant.
Coding change: c.1652A>G on transcript NM_001009999.3 (MANE Select); coding-DNA position 1652, A replaced by G.
Protein change: p.Gln551Arg; replaces glutamine 551 with arginine.
Molecular consequence: missense variant.
Genome position (GRCh38, 1-based): chr1:23,073,321, A>G. VCF-style: chr1-23073321-A-G. GRCh37 (hg19) VCF-style: chr1-23399814-A-G.
Other names: c.1598A>G, p.Gln533Arg (NM_001363654.2); c.1658A>G, p.Gln553Arg (NM_001410762.1); c.1580A>G, p.Gln527Arg (NM_001410763.1, NM_015013.4); short protein forms Q533R, Q553R, Q527R, Q551R.
Identifiers: ClinVar variation 4711295 (VCV004711295.1).

ClinVar aggregate classification (germline): Uncertain significance (1 of 4 stars; one submission).

Submission:

Labcorp Genetics (formerly Invitae), Labcorp
Classification: Uncertain significance. Last evaluated: 2025-04-17. Review status: criteria provided, single submitter. Criteria: Invitae Variant Classification Sherloc (09022015). Collection method: clinical testing. Allele origin: germline.
Comment: This sequence change replaces glutamine, which is neutral and polar, with arginine, which is basic and polar, at codon 551 of the KDM1A protein (p.Gln551Arg). This variant is not present in population databases (gnomAD no frequency). This variant has not been reported in the literature in individuals affected with KDM1A-related conditions. Invitae Evidence Modeling of protein sequence and biophysical properties (such as structural, functional, and spatial information, amino acid conservation, physicochemical variation, residue mobility, and thermodynamic stability) indicates that this missense variant is not expected to disrupt KDM1A protein function with a negative predictive value of 80%. In summary, the available evidence is currently insufficient to determine the role of this variant in disease. Therefore, it has been classified as a Variant of Uncertain Significance.